The following is an entry in ClinVar:

NM_004588.5(SCN2B):c.448+3G>A

Gene: SCN2B (sodium voltage-gated channel beta subunit 2; minus strand). Cytogenetic location: 11q23.3.
Variant type: single nucleotide variant.
Coding change: c.448+3G>A on transcript NM_004588.5 (MANE Select); 3 bases into the intron after coding-DNA position 448, G replaced by A.
Molecular consequence: intron variant.
Genome position (GRCh38, 1-based): chr11:118,168,082, C>T on the plus strand (G>A on the coding strand, the complement: SCN2B is on the minus strand). VCF-style: chr11-118168082-C-T. GRCh37 (hg19) VCF-style: chr11-118038797-C-T.
Identifiers: ClinVar variation 3727067 (VCV003727067.2).
Genomic context (GRCh38, chr11:118,168,082, plus strand): 5'-ATGCCGCAGAGAGTAGGTGGGTGGGAAAGGTCAGGGCCCCGCAGCTGGCACCCCAGCCTT[C>T]ACCTTCCATGAGGACCTGCAGATGGATCTTGCCATGGCCACGGTGGCGGTCAGGGGGGTT-3'

ClinVar aggregate classification (germline): Uncertain significance (1 of 4 stars; one submission).

Conditions:
Atrial fibrillation, familial, 14 (ATFB14). Identifiers: MedGen C3809312, MONDO:0014156, OMIM 615378.

Submission:

Labcorp Genetics (formerly Invitae), Labcorp
Classification: Uncertain significance for Atrial fibrillation, familial, 14. Last evaluated: 2024-12-11. Review status: criteria provided, single submitter. Criteria: Invitae Variant Classification Sherloc (09022015). Collection method: clinical testing. Allele origin: germline.
Comment: This sequence change falls in intron 3 of the SCN2B gene. It does not directly change the encoded amino acid sequence of the SCN2B protein. It affects a nucleotide within the consensus splice site. This variant is not present in population databases (gnomAD no frequency). This variant has not been reported in the literature in individuals affected with SCN2B-related conditions. Variants that disrupt the consensus splice site are a relatively common cause of aberrant splicing (PMID: 17576681, 9536098). Algorithms developed to predict the effect of sequence changes on RNA splicing suggest that this variant is not likely to affect RNA splicing. In summary, the available evidence is currently insufficient to determine the role of this variant in disease. Therefore, it has been classified as a Variant of Uncertain Significance.

Literature cited by the submitters: PubMed 17576681; PubMed 9536098.